The following is an entry in ClinVar:

NM_020911.2(PLXNA4):c.3727G>A (p.Ala1243Thr)

Gene: PLXNA4 (plexin A4; minus strand). Cytogenetic location: 7q32.3.
Variant type: single nucleotide variant.
Coding change: c.3727G>A on transcript NM_020911.2 (MANE Select); coding-DNA position 3727, G replaced by A.
Protein change: p.Ala1243Thr; replaces alanine 1243 with threonine.
Molecular consequence: missense variant.
Genome position (GRCh38, 1-based): chr7:132,179,834, C>T on the plus strand (G>A on the coding strand, the complement: PLXNA4 is on the minus strand). VCF-style: chr7-132179834-C-T. GRCh37 (hg19) VCF-style: chr7-131864593-C-T.
Other names: c.3727G>A, p.Ala1243Thr (NM_001393897.1); short protein forms A1243T.
Identifiers: ClinVar variation 2634822 (VCV002634822.2), dbSNP rs761223020, ClinGen allele CA4489397.

ClinVar aggregate classification (germline): Uncertain significance (0 of 4 stars; one submission).

Conditions:
PLXNA4-related disorder. Also called: PLXNA4-related condition.

Allele frequency attached by ClinVar (database versions not stated): TOPMed 0.00008.
gnomAD v4.1: 26 of 1,613,274 alleles (0.0016%); highest among the groups gnomAD compares: African/African-American, 0.019%; no homozygotes.

Submission:

PreventionGenetics, part of Exact Sciences
Classification: Uncertain significance for PLXNA4-related condition. Last evaluated: 2024-09-03. Review status: no assertion criteria provided. Collection method: clinical testing. Allele origin: germline.
Comment: The PLXNA4 c.3727G>A variant is predicted to result in the amino acid substitution p.Ala1243Thr. To our knowledge, this variant has not been reported in the literature. This variant is reported in 0.0067% of alleles in individuals of African descent in gnomAD. At this time, the clinical significance of this variant is uncertain due to the absence of conclusive functional and genetic evidence.